The following is an entry in ClinVar:

ClinVar aggregate classification (germline): Uncertain significance. Review status: criteria provided, multiple submitters, no conflicts (2 of 4 stars). 2 submissions from 2 submitters: Uncertain significance (2). Last evaluated 2025-12-15.

Conditions:
Autoimmune lymphoproliferative syndrome, type III caused by mutation in PRKCD. Identifiers: Orphanet 3261, Orphanet 664711, MedGen C3809928, MONDO:8000024, OMIM 615559.
Inborn genetic diseases. Identifiers: MedGen C0950123, MeSH D030342.

Allele frequency attached by ClinVar (database versions not stated): gnomAD exomes below 0.00001; ExAC 0.00001; gnomAD 0.00002; TOPMed 0.00006.
gnomAD v4.1: 22 of 1,614,010 alleles (0.0014%); highest among the groups gnomAD compares: Admixed American, 0.0067%; no homozygotes.

Submissions (2):

Ambry Genetics
Classification: Uncertain significance for Inborn genetic diseases. Last evaluated: 2025-12-15. Review status: criteria provided, single submitter. Criteria: Ambry Variant Classification Scheme 2023. Collection method: clinical testing. Allele origin: germline.

Labcorp Genetics (formerly Invitae), Labcorp
Classification: Uncertain significance for Autoimmune lymphoproliferative syndrome, type III caused by mutation in PRKCD. Last evaluated: 2025-02-19. Review status: criteria provided, single submitter. Criteria: Invitae Variant Classification Sherloc (09022015). Collection method: clinical testing. Allele origin: germline.
Comment: This sequence change replaces proline, which is neutral and non-polar, with histidine, which is basic and polar, at codon 668 of the PRKCD protein (p.Pro668His). The frequency data for this variant in the population databases is considered unreliable, as metrics indicate poor data quality at this position in the gnomAD database. This variant has not been reported in the literature in individuals affected with PRKCD-related conditions. ClinVar contains an entry for this variant (Variation ID: 1423396). An algorithm developed to predict the effect of missense changes on protein structure and function (PolyPhen-2) suggests that this variant is likely to be disruptive. In summary, the available evidence is currently insufficient to determine the role of this variant in disease. Therefore, it has been classified as a Variant of Uncertain Significance.

NM_006254.4(PRKCD):c.2003C>A (p.Pro668His)

Genes: PRKCD (protein kinase C delta; plus strand), LOC129936899 (ATAC-STARR-seq lymphoblastoid active region 19967; plus strand). Cytogenetic location: 3p21.1.
Variant type: single nucleotide variant.
Coding change: c.2003C>A on transcript NM_006254.4 (MANE Select); coding-DNA position 2003, C replaced by A.
Protein change: p.Pro668His; replaces proline 668 with histidine.
Molecular consequence: missense variant.
Genome position (GRCh38, 1-based): chr3:53,192,238, C>A. VCF-style: chr3-53192238-C-A. GRCh37 (hg19) VCF-style: chr3-53226254-C-A.
Other names: c.2003C>A, p.Pro668His (NM_001316327.2, NM_001354679.2, NM_001354680.2 and 1 more transcripts); c.2060C>A, p.Pro687His (NM_001354676.2); c.2051C>A, p.Pro684His (NM_001354678.2); c.2003C>A (NM_006254.3); short protein forms P668H, P684H, P687H.
Identifiers: ClinVar variation 1423396 (VCV001423396.8), dbSNP rs782557014, ClinGen allele CA2452339.